The following is an entry in ClinVar:

ClinVar aggregate classification (germline): Uncertain significance (1 of 4 stars; one submission).

gnomAD v4.1: 4 of 1,612,924 alleles (0.00025%); highest among the groups gnomAD compares: Non-Finnish European, 0.00034%; no homozygotes.

Submission:

Labcorp Genetics (formerly Invitae), Labcorp
Classification: Uncertain significance. Last evaluated: 2024-12-16. Review status: criteria provided, single submitter. Criteria: Invitae Variant Classification Sherloc (09022015). Collection method: clinical testing. Allele origin: germline.
Comment: This sequence change replaces serine, which is neutral and polar, with proline, which is neutral and non-polar, at codon 718 of the A2ML1 protein (p.Ser718Pro). This variant is not present in population databases (gnomAD no frequency). This variant has not been reported in the literature in individuals affected with A2ML1-related conditions. An algorithm developed to predict the effect of missense changes on protein structure and function outputs the following: PolyPhen-2: "Benign". The proline amino acid residue is found in multiple mammalian species, which suggests that this missense change does not adversely affect protein function. In summary, the available evidence is currently insufficient to determine the role of this variant in disease. Therefore, it has been classified as a Variant of Uncertain Significance.

NM_144670.6(A2ML1):c.2152T>C (p.Ser718Pro)

Gene: A2ML1 (alpha-2-macroglobulin like 1; plus strand). Cytogenetic location: 12p13.31.
Variant type: single nucleotide variant.
Coding change: c.2152T>C on transcript NM_144670.6 (MANE Select); coding-DNA position 2152, T replaced by C.
Protein change: p.Ser718Pro; replaces serine 718 with proline.
Molecular consequence: missense variant.
Genome position (GRCh38, 1-based): chr12:8,850,192, T>C. VCF-style: chr12-8850192-T-C. GRCh37 (hg19) VCF-style: chr12-9002788-T-C.
Other names: c.679T>C, p.Ser227Pro (NM_001282424.3); short protein forms S227P, S718P.
Identifiers: ClinVar variation 3688226 (VCV003688226.2).
Genomic context (GRCh38, chr12:8,850,192, plus strand): 5'-AAAGTTTTCGTATTCTCAATTTCATCAGCAGGCGGTGGTCATCCAGAGGCTTTTGAGTCA[T>C]CAACTCCTTTACATCAAGCAGAGGATTCTCAGGTCCGCCAGTACTTCCCAGAGACCTGGC-3'
Protein context (NP_653271.3, residues 708-728): GGGHPEAFES[Ser718Pro]TPLHQAEDSQ